The following is an entry in ClinVar:

NM_152564.5(VPS13B):c.3275dup (p.Ser1093fs)

Gene: VPS13B (vacuolar protein sorting 13 homolog B; plus strand). Cytogenetic location: 8q22.2.
Variant type: Duplication.
Coding change: c.3275dup on transcript NM_152564.5 (MANE Select); coding-DNA position 3275, one base duplicated (T; older notation c.3275dupT).
Protein change: p.Ser1093fs; shifts the reading frame from serine 1093.
Molecular consequence: frameshift variant.
Genome position (GRCh38, 1-based): chr8:99,442,465, T duplicated. VCF-style (leftmost placement, unchanged base first): chr8-99442464-G-GT. GRCh37 (hg19) VCF-style: chr8-100454692-G-GT.
Other names: c.3275dup, p.Ser1093fs (NM_017890.5); short protein forms S1093fs.
Identifiers: ClinVar variation 4854456 (VCV004854456.1).

ClinVar aggregate classification (germline): Likely pathogenic (1 of 4 stars; one submission).

Conditions:
Cohen syndrome (COH1). Also called: Cutis verticis gyrata, retinitis pigmentosa, and sensorineural deafness; PEPPER SYNDROME. Identifiers: Orphanet 193, MedGen C0265223, MONDO:0008999, OMIM 216550.

Submission:

3billion
Classification: Likely pathogenic for Cohen syndrome. Last evaluated: 2025-07-30. Review status: criteria provided, single submitter. Criteria: ACMG Guidelines, 2015. Collection method: clinical testing. Allele origin: germline. Affected: yes.
Comment: The variant is not observed in the gnomAD v4.1.0 dataset. Predicted Consequence/Location: Frameshift: predicted to result in a loss or disruption of normal protein function through nonsense-mediated decay (NMD) or protein truncation. Multiple pathogenic variants are reported downstream of the variant. Therefore, this variant is classified as Likely pathogenic according to the recommendation of ACMG/AMP guideline.